The following is an entry in ClinVar:

NM_004035.7(ACOX1):c.*3943C>T

Gene: ACOX1 (acyl-CoA oxidase 1; minus strand). Cytogenetic location: 17q25.1.
Variant type: single nucleotide variant.
Coding change: c.*3943C>T on transcript NM_004035.7 (MANE Select); 3943 bases downstream of the stop codon, C replaced by T.
Molecular consequence: 3 prime UTR variant.
Genome position (GRCh38, 1-based): chr17:75,942,805, G>A on the plus strand (C>T on the coding strand, the complement: ACOX1 is on the minus strand). VCF-style: chr17-75942805-G-A. GRCh37 (hg19) VCF-style: chr17-73938886-G-A.
Other names: c.*3943C>T (NM_001185039.2, NM_007292.6).
Identifiers: ClinVar variation 325319 (VCV000325319.5), dbSNP rs16968333, ClinGen allele CA8776603.

ClinVar aggregate classification (germline): Benign (1 of 4 stars; one submission).

Conditions:
Acyl-CoA oxidase deficiency. Also called: STRAIGHT-CHAIN ACYL-CoA OXIDASE DEFICIENCY; Pseudoneonatal adrenoleukodystrophy; Peroxisomal acyl-CoA oxidase deficiency. Identifiers: Orphanet 2971, MedGen C1849678, MONDO:0009919, OMIM 264470. Disease mechanism: loss of function.

Allele frequency attached by ClinVar (database versions not stated): gnomAD exomes 0.00155; gnomAD 0.01714 and 0.01823; 1000 Genomes Project 0.01717; TOPMed 0.01887; 1000 Genomes Project 30x 0.01936; ExAC 0.06000.

Submission:

Illumina Laboratory Services, Illumina
Classification: Benign for Acyl-CoA oxidase deficiency. Last evaluated: 2018-01-13. Review status: criteria provided, single submitter. Criteria: ICSL Variant Classification Criteria 13 December 2019. Collection method: clinical testing. Allele origin: germline.
Comment: This variant was observed in the ICSL laboratory as part of a predisposition screen in an ostensibly healthy population. It had not been previously curated by ICSL or reported in the Human Gene Mutation Database (HGMD: prior to June 1st, 2018), and was therefore a candidate for classification through an automated scoring system. Utilizing variant allele frequency, disease prevalence and penetrance estimates, and inheritance mode, an automated score was calculated to assess if this variant is too frequent to cause the disease. Based on the score and internal cut-off values, a variant classified as benign is not then subjected to further curation. The score for this variant resulted in a classification of benign for this disease.